The following is an entry in ClinVar:

NM_003047.5(SLC9A1):c.1064+1G>A

Gene: SLC9A1 (solute carrier family 9 member A1; minus strand). Cytogenetic location: 1p36.11.
Variant type: single nucleotide variant.
Coding change: c.1064+1G>A on transcript NM_003047.5 (MANE Select); the canonical splice donor site of the intron after coding-DNA position 1064, G replaced by A.
Molecular consequence: splice donor variant.
Genome position (GRCh38, 1-based): chr1:27,109,526, C>T on the plus strand (G>A on the coding strand, the complement: SLC9A1 is on the minus strand). VCF-style: chr1-27109526-C-T. GRCh37 (hg19) VCF-style: chr1-27436017-C-T.
Identifiers: ClinVar variation 4540945 (VCV004540945.1).

ClinVar aggregate classification (germline): Uncertain significance (1 of 4 stars; one submission).

gnomAD v4.1: 4 of 1,612,312 alleles (0.00025%); highest among the groups gnomAD compares: Non-Finnish European, 0.00034%; no homozygotes.

Submission:

Mayo Clinic Laboratories, Mayo Clinic
Classification: Uncertain significance. Last evaluated: 2025-08-13. Review status: criteria provided, single submitter. Criteria: ACMG Guidelines, 2015. Collection method: clinical testing. Allele origin: germline. Observed: 1 variant allele.
Comment: PM2_supporting